The following is an entry in ClinVar:

NM_015450.3(POT1):c.1821C>G (p.Ile607Met)

Gene: POT1 (protection of telomeres 1; minus strand). Cytogenetic location: 7q31.33.
Variant type: single nucleotide variant.
Coding change: c.1821C>G on transcript NM_015450.3 (MANE Select); coding-DNA position 1821, C replaced by G.
Protein change: p.Ile607Met; replaces isoleucine 607 with methionine.
Molecular consequence: missense variant. On other transcripts: non-coding transcript variant (3).
Genome position (GRCh38, 1-based): chr7:124,824,046, G>C on the plus strand (C>G on the coding strand, the complement: POT1 is on the minus strand). VCF-style: chr7-124824046-G-C. GRCh37 (hg19) VCF-style: chr7-124464100-G-C.
Other names: c.1428C>G, p.Ile476Met (NM_001042594.2); short protein forms I607M, I476M.
Identifiers: ClinVar variation 3423134 (VCV003423134.1).

ClinVar aggregate classification (germline): Uncertain significance (1 of 4 stars; one submission).

Conditions:
Hereditary cancer-predisposing syndrome. Also called: Neoplastic Syndromes, Hereditary; Tumor predisposition; Hereditary Cancer Syndrome; Hereditary neoplastic syndrome. Identifiers: Orphanet 140162, MedGen C0027672, MeSH D009386, MONDO:0015356.

Submission:

Ambry Genetics
Classification: Uncertain significance for Hereditary cancer-predisposing syndrome. Last evaluated: 2024-10-14. Review status: criteria provided, single submitter. Criteria: Ambry Variant Classification Scheme 2023. Collection method: clinical testing. Allele origin: germline.
Comment: The p.I607M variant (also known as c.1821C>G), located in coding exon 15 of the POT1 gene, results from a C to G substitution at nucleotide position 1821. The isoleucine at codon 607 is replaced by methionine, an amino acid with highly similar properties. This amino acid position is conserved. In addition, the in silico prediction for this alteration is inconclusive. Based on the available evidence, the clinical significance of this variant remains unclear.